The following is an entry in ClinVar:

ClinVar aggregate classification (germline): Uncertain significance (1 of 4 stars; one submission).

Allele frequency attached by ClinVar (database versions not stated): TOPMed below 0.00001; gnomAD exomes 0.00001 and 0.00002; ExAC 0.00004.
gnomAD v4.1: 7 of 1,609,610 alleles (0.00043%); highest among the groups gnomAD compares: Admixed American, 0.012%; no homozygotes.

Submission:

Labcorp Genetics (formerly Invitae), Labcorp
Classification: Uncertain significance. Last evaluated: 2025-12-26. Review status: criteria provided, single submitter. Criteria: Invitae Variant Classification Sherloc (09022015). Collection method: clinical testing. Allele origin: germline.
Comment: This sequence change affects a donor splice site in intron 10 of the CLCN6 gene. It is expected to disrupt RNA splicing. Variants that disrupt the donor or acceptor splice site typically lead to a loss of protein function (PMID: 16199547), however the current clinical and genetic evidence is not sufficient to establish whether loss-of-function variants in CLCN6 cause disease. This variant is present in population databases (rs777483914, gnomAD 0.006%). This variant has not been reported in the literature in individuals affected with CLCN6-related conditions. ClinVar contains an entry for this variant (Variation ID: 1420610). Algorithms developed to predict the effect of sequence changes on RNA splicing suggest that this variant may disrupt the consensus splice site. In summary, the available evidence is currently insufficient to determine the role of this variant in disease. Therefore, it has been classified as a Variant of Uncertain Significance.

Literature cited by the submitters: PubMed 16199547.

NM_001286.5(CLCN6):c.840+2T>A

Gene: CLCN6 (chloride voltage-gated channel 6; plus strand). Cytogenetic location: 1p36.22.
Variant type: single nucleotide variant.
Coding change: c.840+2T>A on transcript NM_001286.5 (MANE Select); the canonical splice donor site of the intron after coding-DNA position 840, T replaced by A.
Molecular consequence: splice donor variant.
Genome position (GRCh38, 1-based): chr1:11,827,223, T>A. VCF-style: chr1-11827223-T-A. GRCh37 (hg19) VCF-style: chr1-11887280-T-A.
Other names: c.774+2T>A (NM_001256959.2).
Identifiers: ClinVar variation 1420610 (VCV001420610.8), dbSNP rs777483914, ClinGen allele CA596254.